The following is an entry in ClinVar:

NM_000548.5(TSC2):c.4990-15C>T

Gene: TSC2 (TSC complex subunit 2; plus strand). Cytogenetic location: 16p13.3.
Variant type: single nucleotide variant.
Coding change: c.4990-15C>T on transcript NM_000548.5 (MANE Select); 15 bases into the intron before coding-DNA position 4990, C replaced by T.
Molecular consequence: intron variant.
Genome position (GRCh38, 1-based): chr16:2,087,848, C>T. VCF-style: chr16-2087848-C-T. GRCh37 (hg19) VCF-style: chr16-2137849-C-T.
Other names: c.4921-15C>T (NM_001114382.3); c.4861-15C>T (NM_021055.3, NM_001370405.1); c.4792-15C>T (NM_001363528.2); c.4858-15C>T (NM_001370404.1); c.4789-15C>T (NM_001077183.3); c.4681-15C>T (NM_001318827.2); c.4258-15C>T (NM_001318831.2); c.4645-15C>T (NM_001318829.2); and 1 more.
Identifiers: ClinVar variation 1598049 (VCV001598049.10), dbSNP rs763702674, ClinGen allele CA053281.
Genomic context (GRCh38, chr16:2,087,848, plus strand): 5'-GCAACCAGGCAGTAGCCGAGATCAGCCTTCAGCACACGCTGTGTGCGGGGATGACCCTTT[C>T]TCTTGTCCGGGCAGGGCCAGTTCAACTTTGTCCACGTGATCGTCACCCCGCTGGACTACG-3'

ClinVar aggregate classification (germline): Likely benign. Review status: criteria provided, multiple submitters, no conflicts (2 of 4 stars). 4 submissions from 4 submitters: Likely benign (4). Last evaluated 2025-12-19.

Conditions:
Tuberous sclerosis syndrome (TSC). Also called: Tuberous sclerosis; Tuberous Sclerosis Complex. Identifiers: Orphanet 805, MedGen C0041341, MONDO:0001734.
Tuberous sclerosis 2 (TSC2). Identifiers: Orphanet 805, MedGen C1860707, MONDO:0013199, OMIM 613254.

Allele frequency attached by ClinVar (database versions not stated): gnomAD exomes 0.00002 and 0.00003; ExAC 0.00003.
gnomAD v4.1: 58 of 1,612,374 alleles (0.0036%); highest among the groups gnomAD compares: South Asian, 0.014%; no homozygotes.

Submissions (4):

Labcorp Genetics (formerly Invitae), Labcorp
Classification: Likely benign for Tuberous sclerosis 2. Last evaluated: 2025-12-19. Review status: criteria provided, single submitter. Criteria: Invitae Variant Classification Sherloc (09022015). Collection method: clinical testing. Allele origin: germline.

Myriad Genetics, Inc.
Classification: Likely benign for Tuberous sclerosis 2. Last evaluated: 2025-06-05. Review status: criteria provided, single submitter. Criteria: Myriad Autosomal Dominant, Autosomal Recessive and X-Linked Classification Criteria (2023). Collection method: clinical testing. Allele origin: unknown.
Comment: This variant is considered likely benign. This variant is intronic and is not expected to impact mRNA splicing.

Blueprint Genetics
Classification: Likely benign. Last evaluated: 2024-10-08. Review status: criteria provided, single submitter. Criteria: ACMG Guidelines, 2015. Collection method: clinical testing. Allele origin: germline.

Color Diagnostics, LLC DBA Color Health
Classification: Likely benign for Tuberous sclerosis syndrome. Last evaluated: 2022-11-23. Review status: criteria provided, single submitter. Criteria: ACMG Guidelines, 2015. Collection method: clinical testing. Allele origin: germline.